The following is an entry in ClinVar:

ClinVar aggregate classification (germline): Uncertain significance (1 of 4 stars; one submission).

Conditions:
Inborn genetic diseases. Identifiers: MedGen C0950123, MeSH D030342.

Submission:

Ambry Genetics
Classification: Uncertain significance for Inborn genetic diseases. Last evaluated: 2025-06-02. Review status: criteria provided, single submitter. Criteria: Ambry Variant Classification Scheme 2023. Collection method: clinical testing. Allele origin: germline.
Comment: The p.A458T variant (also known as c.1372G>A), located in coding exon 1 of the SAMD9L gene, results from a G to A substitution at nucleotide position 1372. The alanine at codon 458 is replaced by threonine, an amino acid with similar properties. This amino acid position is conserved. In addition, this alteration is predicted to be tolerated by in silico analysis. Based on the available evidence, the clinical significance of this variant remains unclear.

NM_152703.5(SAMD9L):c.1372G>A (p.Ala458Thr)

Gene: SAMD9L (sterile alpha motif domain containing 9 like; minus strand). Cytogenetic location: 7q21.2.
Variant type: single nucleotide variant.
Coding change: c.1372G>A on transcript NM_152703.5 (MANE Select); coding-DNA position 1372, G replaced by A.
Protein change: p.Ala458Thr; replaces alanine 458 with threonine.
Molecular consequence: missense variant.
Genome position (GRCh38, 1-based): chr7:93,134,600, C>T on the plus strand (G>A on the coding strand, the complement: SAMD9L is on the minus strand). VCF-style: chr7-93134600-C-T. GRCh37 (hg19) VCF-style: chr7-92763913-C-T.
Other names: c.1372G>A, p.Ala458Thr (NM_001303496.3, NM_001303497.3, NM_001303498.3 and 5 more transcripts); short protein forms A458T.
Identifiers: ClinVar variation 3949992 (VCV003949992.1).